The following is an entry in ClinVar:

ClinVar aggregate classification (germline): Uncertain significance. Review status: criteria provided, multiple submitters, no conflicts (2 of 4 stars). 2 submissions from 2 submitters: Uncertain significance (2). Last evaluated 2026-04-03.

Conditions:
Pheochromocytoma. Also called: MAX-Related Hereditary Paraganglioma-Pheochromocytoma Syndrome. Identifiers: Orphanet 29072, MedGen C0031511, MONDO:0008233, OMIM 171300, HP:0002666.
Pheochromocytoma/paraganglioma syndrome 4. Also called: CAROTID BODY TUMORS AND MULTIPLE EXTRAADRENAL PHEOCHROMOCYTOMAS; PARAGANGLIOMA, FAMILIAL MALIGNANT; PARAGANGLIOMAS, HEREDITARY EXTRAADRENAL; PHEOCHROMOCYTOMA, FAMILIAL EXTRAADRENAL; Paragangliomas 4; SDHB-Related Hereditary Paraganglioma-Pheochromocytoma Syndrome (Paragangliomas 4). Identifiers: Orphanet 29072, MedGen C1861848, MONDO:0007273, OMIM 115310.
Gastrointestinal stromal tumor. Also called: Gastrointestinal stroma tumor; Gastrointestinal stromal tumor, somatic. Identifiers: Orphanet 44890, MedGen C0238198, MeSH D046152, MONDO:0011719, OMIM 606764, HP:0100723.
Hereditary cancer-predisposing syndrome. Also called: Tumor predisposition; Hereditary Cancer Syndrome; Hereditary neoplastic syndrome; Neoplastic Syndromes, Hereditary. Identifiers: Orphanet 140162, MedGen C0027672, MeSH D009386, MONDO:0015356.

Allele frequency attached by ClinVar (database versions not stated): gnomAD 0.00001.
gnomAD v4.1: 1 of 1,613,326 alleles (0.000062%); highest among the groups gnomAD compares: Non-Finnish European, 0.000085%; no homozygotes.

Submissions (2):

Ambry Genetics
Classification: Uncertain significance for Hereditary cancer-predisposing syndrome. Last evaluated: 2026-04-03. Review status: criteria provided, single submitter. Criteria: Ambry Variant Classification Scheme 2023. Collection method: clinical testing. Allele origin: germline.
Comment: The p.M270T variant (also known as c.809T>C), located in coding exon 8 of the SDHB gene, results from a T to C substitution at nucleotide position 809. The methionine at codon 270 is replaced by threonine, an amino acid with similar properties. This amino acid position is conserved. In addition, this alteration is predicted to be deleterious by in silico analysis. Based on the available evidence, the clinical significance of this variant remains unclear.

Labcorp Genetics (formerly Invitae), Labcorp
Classification: Uncertain significance for Gastrointestinal stromal tumor; Pheochromocytoma/paraganglioma syndrome 4; Pheochromocytoma. Last evaluated: 2022-07-06. Review status: criteria provided, single submitter. Criteria: Invitae Variant Classification Sherloc (09022015). Collection method: clinical testing. Allele origin: germline.
Comment: In summary, the available evidence is currently insufficient to determine the role of this variant in disease. Therefore, it has been classified as a Variant of Uncertain Significance. Advanced modeling of protein sequence and biophysical properties (such as structural, functional, and spatial information, amino acid conservation, physicochemical variation, residue mobility, and thermodynamic stability) performed at Invitae indicates that this missense variant is expected to disrupt SDHB protein function. This variant has not been reported in the literature in individuals affected with SDHB-related conditions. This sequence change replaces methionine, which is neutral and non-polar, with threonine, which is neutral and polar, at codon 270 of the SDHB protein (p.Met270Thr). This variant is present in population databases (no rsID available, gnomAD 0.0009%). ClinVar contains an entry for this variant (Variation ID: 1392804).

NM_003000.3(SDHB):c.809T>C (p.Met270Thr)

Gene: SDHB (succinate dehydrogenase complex iron sulfur subunit B; minus strand). Cytogenetic location: 1p36.13.
Variant type: single nucleotide variant.
Coding change: c.809T>C on transcript NM_003000.3 (MANE Select); coding-DNA position 809, T replaced by C.
Protein change: p.Met270Thr; replaces methionine 270 with threonine.
Molecular consequence: missense variant.
Genome position (GRCh38, 1-based): chr1:17,018,915, A>G on the plus strand (T>C on the coding strand, the complement: SDHB is on the minus strand). VCF-style: chr1-17018915-A-G. GRCh37 (hg19) VCF-style: chr1-17345410-A-G.
Other names: c.809T>C (NM_003000.2); short protein forms M270T.
Identifiers: ClinVar variation 1392804 (VCV001392804.8), dbSNP rs1557738263, ClinGen allele CA338268849.